The following is an entry in ClinVar:

ClinVar aggregate classification (germline): Uncertain significance. Review status: criteria provided, multiple submitters, no conflicts (2 of 4 stars). 3 submissions from 3 submitters: Uncertain significance (3). Last evaluated 2025-12-28.

Conditions:
Growth delay due to insulin-like growth factor I resistance. Also called: Somatomedin end-organ insensitivity to; Somatomedin-c resistance to; IGF-1 resistance; IGF-I RESISTANCE; Insulin-Like Growth Factor I Resistance. Identifiers: Orphanet 73273, MedGen C1849157, MONDO:0010038, OMIM 270450.
Inborn genetic diseases. Identifiers: MedGen C0950123, MeSH D030342.

Allele frequency attached by ClinVar (database versions not stated): gnomAD exomes below 0.00001.
gnomAD v4.1: 1 of 1,614,164 alleles (0.000062%); highest among the groups gnomAD compares: Non-Finnish European, 0.000085%; no homozygotes.

Submissions (3):

GeneDx
Classification: Uncertain significance. Last evaluated: 2025-12-28. Review status: criteria provided, single submitter. Criteria: GeneDx Variant Classification Process June 2021. Collection method: clinical testing. Allele origin: germline.
Comment: Not observed at significant frequency in large population cohorts (gnomAD); In silico analysis supports that this missense variant has a deleterious effect on protein structure/function; Has not been previously published as pathogenic or benign to our knowledge

Ambry Genetics
Classification: Uncertain significance for Inborn genetic diseases. Last evaluated: 2024-04-19. Review status: criteria provided, single submitter. Criteria: Ambry Variant Classification Scheme 2023. Collection method: clinical testing. Allele origin: germline.
Comment: The c.3473G>A (p.R1158Q) alteration is located in exon 19 (coding exon 19) of the IGF1R gene. This alteration results from a G to A substitution at nucleotide position 3473, causing the arginine (R) at amino acid position 1158 to be replaced by a glutamine (Q). This variant was not reported in population-based cohorts in the Genome Aggregation Database (gnomAD). This amino acid position is highly conserved in available vertebrate species. This alteration is predicted to be deleterious by in silico analysis. Based on insufficient or conflicting evidence, the clinical significance of this alteration remains unclear.

Institute of Human Genetics, University of Leipzig Medical Center
Classification: Uncertain significance for Growth delay due to insulin-like growth factor I resistance. Last evaluated: 2019-08-21. Review status: criteria provided, single submitter. Criteria: ACMG Guidelines, 2015. Collection method: clinical testing. Allele origin: germline. Affected: yes. Observed: 1 variant allele.

NM_000875.5(IGF1R):c.3473G>A (p.Arg1158Gln)

Gene: IGF1R (insulin like growth factor 1 receptor; plus strand). Cytogenetic location: 15q26.3.
Variant type: single nucleotide variant.
Coding change: c.3473G>A on transcript NM_000875.5 (MANE Select); coding-DNA position 3473, G replaced by A.
Protein change: p.Arg1158Gln; replaces arginine 1158 with glutamine.
Molecular consequence: missense variant.
Genome position (GRCh38, 1-based): chr15:98,942,938, G>A. VCF-style: chr15-98942938-G-A. GRCh37 (hg19) VCF-style: chr15-99486167-G-A.
Other names: c.3470G>A, p.Arg1157Gln (NM_001291858.2); c.3473G>A (NM_000875.3); short protein forms R1157Q, R1158Q.
Identifiers: ClinVar variation 976283 (VCV000976283.4), dbSNP rs2016419800, ClinGen allele CA393661366.